The following is an entry in ClinVar:

ClinVar aggregate classification (germline): Uncertain significance (1 of 4 stars; one submission).

Conditions:
Inborn genetic diseases. Identifiers: MedGen C0950123, MeSH D030342.

Allele frequency attached by ClinVar (database versions not stated): gnomAD exomes below 0.00001; gnomAD 0.00001; ExAC 0.00002.
gnomAD v4.1: 3 of 1,614,132 alleles (0.00019%); highest among the groups gnomAD compares: Non-Finnish European, 0.00025%; no homozygotes.

Submission:

Ambry Genetics
Classification: Uncertain significance for Inborn genetic diseases. Last evaluated: 2022-07-28. Review status: criteria provided, single submitter. Criteria: Ambry Variant Classification Scheme 2023. Collection method: clinical testing. Allele origin: germline.
Comment: Unlikely to be causative of Rubinstein-Taybi syndrome (AD) Based on insufficient or conflicting evidence, the clinical significance of this alteration remains unclear.

NM_004380.3(CREBBP):c.2060C>T (p.Ala687Val)

Gene: CREBBP (CREB binding protein; minus strand). Cytogenetic location: 16p13.3.
Variant type: single nucleotide variant.
Coding change: c.2060C>T on transcript NM_004380.3 (MANE Select); coding-DNA position 2060, C replaced by T.
Protein change: p.Ala687Val; replaces alanine 687 with valine.
Molecular consequence: missense variant.
Genome position (GRCh38, 1-based): chr16:3,778,064, G>A on the plus strand (C>T on the coding strand, the complement: CREBBP is on the minus strand). VCF-style: chr16-3778064-G-A. GRCh37 (hg19) VCF-style: chr16-3828065-G-A.
Other names: c.1946C>T, p.Ala649Val (NM_001079846.1); short protein forms A649V, A687V.
Identifiers: ClinVar variation 2299129 (VCV002299129.2), dbSNP rs755831394, ClinGen allele CA7870288.